The following is an entry in ClinVar:

NM_000540.3(RYR1):c.8025_8026del (p.Arg2676fs)

Gene: RYR1 (ryanodine receptor 1; plus strand). Cytogenetic location: 19q13.2.
Variant type: Microsatellite.
Coding change: c.8025_8026del on transcript NM_000540.3 (MANE Select); coding-DNA positions 8025 to 8026, 2 bases deleted (AC; older notation c.8025_8026delAC).
Protein change: p.Arg2676fs; shifts the reading frame from arginine 2676.
Molecular consequence: frameshift variant.
Genome position (GRCh38, 1-based): chr19:38,504,318-38,504,319, AC deleted; deleting any 2 consecutive bases within chr19:38,504,315-38,504,319 gives the same sequence; the c. name uses the placement nearest the transcript's 3' end. VCF-style (leftmost placement, unchanged base first): chr19-38504314-TCA-T. GRCh37 (hg19) VCF-style: chr19-38994954-TCA-T.
Other names: c.8025_8026del, p.Arg2676fs (NM_001042723.2); short protein forms R2676fs.
Identifiers: ClinVar variation 3775620 (VCV003775620.1).

ClinVar aggregate classification (germline): Likely pathogenic (1 of 4 stars; one submission).

Conditions:
Congenital multicore myopathy with external ophthalmoplegia (CMYO1B). Also called: Minicore myopathy with external ophthalmoplegia; MULTIMINICORE DISEASE WITH EXTERNAL OPHTHALMOPLEGIA; MULTICORE MYOPATHY; Congenital myopathy 1B, autosomal recessive; Minicore myopathy. Identifiers: Orphanet 598, Orphanet 98905, MedGen C1850674, MONDO:0009712, OMIM 255320, HP:0003789.

Submission:

3billion
Classification: Likely pathogenic for Congenital multicore myopathy with external ophthalmoplegia. Last evaluated: 2024-01-08. Review status: criteria provided, single submitter. Criteria: ACMG Guidelines, 2015. Collection method: clinical testing. Allele origin: germline. Affected: yes.
Comment: The variant is not observed in the gnomAD v2.1.1 dataset. Predicted Consequence/Location: Frameshift: predicted to result in a loss or disruption of normal protein function through nonsense-mediated decay (NMD) or protein truncation. Multiple pathogenic variants are reported downstream of the variant. Therefore, this variant is classified as Likely pathogenic according to the recommendation of ACMG/AMP guideline.